The following is an entry in ClinVar:

NM_021232.2(PRODH2):c.686G>A (p.Arg229Gln)

Gene: PRODH2 (proline dehydrogenase 2; minus strand). Cytogenetic location: 19q13.12.
Variant type: single nucleotide variant.
Coding change: c.686G>A on transcript NM_021232.2 (MANE Select); coding-DNA position 686, G replaced by A.
Protein change: p.Arg229Gln; replaces arginine 229 with glutamine.
Molecular consequence: missense variant. On other transcripts: intron variant (2).
Genome position (GRCh38, 1-based): chr19:35,806,823, C>T on the plus strand (G>A on the coding strand, the complement: PRODH2 is on the minus strand). VCF-style: chr19-35806823-C-T. GRCh37 (hg19) VCF-style: chr19-36297725-C-T.
Other names: c.686G>A, p.Arg229Gln (NM_001378293.1); c.678+218G>A (NM_001378294.1, NM_001378292.1); short protein forms R229Q.
Identifiers: ClinVar variation 3047491 (VCV003047491.2), dbSNP rs148139007, ClinGen allele CA9389327.

ClinVar aggregate classification (germline): Likely benign (0 of 4 stars; one submission).

Conditions:
PRODH2-related disorder. Also called: PRODH2-related condition.

Allele frequency attached by ClinVar (database versions not stated): ExAC 0.00043; ESP Exome Variant Server 0.00069; gnomAD 0.00072; TOPMed 0.00086; 1000 Genomes Project 30x 0.00094; 1000 Genomes Project 0.00100.
gnomAD v4.1: 227 of 1,604,244 alleles (0.014%); highest among the groups gnomAD compares: African/African-American, 0.22%; 2 homozygotes.

Submission:

PreventionGenetics, part of Exact Sciences
Classification: Likely benign for PRODH2-related condition. Last evaluated: 2022-04-28. Review status: no assertion criteria provided. Collection method: clinical testing. Allele origin: germline.
Comment: This variant is classified as likely benign based on ACMG/AMP sequence variant interpretation guidelines (Richards et al. 2015 PMID: 25741868, with internal and published modifications).